The following is an entry in ClinVar:

ClinVar aggregate classification (germline): Uncertain significance. Review status: criteria provided, single submitter (1 of 4 stars). 2 submissions from 2 submitters: Uncertain significance (1). 1 of the submissions does not count toward it. Last evaluated 2024-07-01.

Conditions:
Primary ciliary dyskinesia. Also called: Ciliary dyskinesia. Identifiers: Orphanet 244, MedGen C0008780, MONDO:0016575, HP:0012265.

Allele frequency attached by ClinVar (database versions not stated): gnomAD exomes 0.00001.
gnomAD v4.1: 3 of 1,613,768 alleles (0.00019%); highest among the groups gnomAD compares: Non-Finnish European, 0.00025%; no homozygotes.

Submissions (2):

Labcorp Genetics (formerly Invitae), Labcorp
Classification: Uncertain significance for Primary ciliary dyskinesia. Last evaluated: 2024-07-01. Review status: criteria provided, single submitter. Criteria: Invitae Variant Classification Sherloc (09022015). Collection method: clinical testing. Allele origin: germline.
Comment: This sequence change replaces valine, which is neutral and non-polar, with methionine, which is neutral and non-polar, at codon 87 of the DNAH5 protein (p.Val87Met). This variant is not present in population databases (gnomAD no frequency). This variant has not been reported in the literature in individuals affected with DNAH5-related conditions. ClinVar contains an entry for this variant (Variation ID: 989930). Advanced modeling of protein sequence and biophysical properties (such as structural, functional, and spatial information, amino acid conservation, physicochemical variation, residue mobility, and thermodynamic stability) performed at Invitae indicates that this missense variant is not expected to disrupt DNAH5 protein function with a negative predictive value of 95%. In summary, the available evidence is currently insufficient to determine the role of this variant in disease. Therefore, it has been classified as a Variant of Uncertain Significance.

Natera, Inc.
Classification: Uncertain significance for Primary ciliary dyskinesia. Last evaluated: 2020-08-14. Review status: no assertion criteria provided. Collection method: clinical testing. Allele origin: germline. Not counted in ClinVar's aggregate classification.

NM_001369.3(DNAH5):c.259G>A (p.Val87Met)

Gene: DNAH5 (dynein axonemal heavy chain 5; minus strand). Cytogenetic location: 5p15.2.
Variant type: single nucleotide variant.
Coding change: c.259G>A on transcript NM_001369.3 (MANE Select); coding-DNA position 259, G replaced by A.
Protein change: p.Val87Met; replaces valine 87 with methionine.
Molecular consequence: missense variant.
Genome position (GRCh38, 1-based): chr5:13,928,112, C>T on the plus strand (G>A on the coding strand, the complement: DNAH5 is on the minus strand). VCF-style: chr5-13928112-C-T. GRCh37 (hg19) VCF-style: chr5-13928221-C-T.
Other names: short protein forms V87M.
Identifiers: ClinVar variation 989930 (VCV000989930.5), dbSNP rs1778067241, ClinGen allele CA359226788.